The following is an entry in ClinVar:

NM_001379180.1(ESRRB):c.823A>G (p.Ile275Val)

Gene: ESRRB (estrogen related receptor beta; plus strand). Cytogenetic location: 14q24.3.
Variant type: single nucleotide variant.
Coding change: c.823A>G on transcript NM_001379180.1 (MANE Select); coding-DNA position 823, A replaced by G.
Protein change: p.Ile275Val; replaces isoleucine 275 with valine.
Molecular consequence: missense variant.
Genome position (GRCh38, 1-based): chr14:76,482,732, A>G. VCF-style: chr14-76482732-A-G. GRCh37 (hg19) VCF-style: chr14-76949075-A-G.
Other names: c.760A>G, p.Ile254Val (NM_004452.4); short protein forms I254V, I275V.
Identifiers: ClinVar variation 1704188 (VCV001704188.2), dbSNP rs371238611, ClinGen allele CA7281683.

ClinVar aggregate classification (germline): Uncertain significance (1 of 4 stars; one submission).

Allele frequency attached by ClinVar (database versions not stated): ESP Exome Variant Server 0.00008.
gnomAD v4.1: 51 of 1,614,022 alleles (0.0032%); highest among the groups gnomAD compares: Admixed American, 0.01%; no homozygotes.

Submission:

GeneDx
Classification: Uncertain significance. Last evaluated: 2022-02-28. Review status: criteria provided, single submitter. Criteria: GeneDx Variant Classification Process June 2021. Collection method: clinical testing. Allele origin: germline. Affected: yes.
Comment: In silico analysis supports that this missense variant does not alter protein structure/function; Has not been previously published as pathogenic or benign to our knowledge